The following is an entry in ClinVar:

NM_001372.4(DNAH9):c.4480G>A (p.Glu1494Lys)

Gene: DNAH9 (dynein axonemal heavy chain 9; plus strand). Cytogenetic location: 17p12.
Variant type: single nucleotide variant.
Coding change: c.4480G>A on transcript NM_001372.4 (MANE Select); coding-DNA position 4480, G replaced by A.
Protein change: p.Glu1494Lys; replaces glutamic acid 1494 with lysine.
Molecular consequence: missense variant.
Genome position (GRCh38, 1-based): chr17:11,690,302, G>A. VCF-style: chr17-11690302-G-A. GRCh37 (hg19) VCF-style: chr17-11593619-G-A.
Other names: short protein forms E1494K.
Identifiers: ClinVar variation 1304096 (VCV001304096.5), dbSNP rs760596260, ClinGen allele CA8395677.

ClinVar aggregate classification (germline): Uncertain significance. Review status: criteria provided, multiple submitters, no conflicts (2 of 4 stars). 2 submissions from 2 submitters: Uncertain significance (2). Last evaluated 2025-06-06.

Conditions:
Inborn genetic diseases. Identifiers: MedGen C0950123, MeSH D030342.

Allele frequency attached by ClinVar (database versions not stated): gnomAD exomes 0.00001 and below 0.00001; TOPMed 0.00003; gnomAD 0.00001; ExAC 0.00002.
gnomAD v4.1: 9 of 1,614,054 alleles (0.00056%); highest among the groups gnomAD compares: African/African-American, 0.008%; no homozygotes.

Submissions (2):

Ambry Genetics
Classification: Uncertain significance for Inborn genetic diseases. Last evaluated: 2025-06-06. Review status: criteria provided, single submitter. Criteria: Ambry Variant Classification Scheme 2023. Collection method: clinical testing. Allele origin: germline.

GeneDx
Classification: Uncertain significance. Last evaluated: 2020-07-20. Review status: criteria provided, single submitter. Criteria: GeneDx Variant Classification Process June 2021. Collection method: clinical testing. Allele origin: germline. Affected: yes.
Comment: In silico analysis supports that this missense variant has a deleterious effect on protein structure/function; Has not been previously published as pathogenic or benign to our knowledge